The following is an entry in ClinVar:

NM_006563.5(KLF1):c.1024C>G (p.Gln342Glu)

Genes: KLF1 (KLF transcription factor 1; minus strand), LOC117125591 (CRISPRi-FlowFISH-validated PRDX2 and RAD23A regulatory element; plus strand). Cytogenetic location: 19p13.13.
Variant type: single nucleotide variant.
Coding change: c.1024C>G on transcript NM_006563.5 (MANE Select); coding-DNA position 1024, C replaced by G.
Protein change: p.Gln342Glu; replaces glutamine 342 with glutamic acid.
Molecular consequence: missense variant.
Genome position (GRCh38, 1-based): chr19:12,884,950, G>C on the plus strand (C>G on the coding strand, the complement: KLF1 is on the minus strand). VCF-style: chr19-12884950-G-C. GRCh37 (hg19) VCF-style: chr19-12995764-G-C.
Other names: short protein forms Q342E.
Identifiers: ClinVar variation 1993757 (VCV001993757.4), dbSNP rs2512554545, ClinGen allele CA404305208.

ClinVar aggregate classification (germline): Uncertain significance (1 of 4 stars; one submission).

Submission:

Labcorp Genetics (formerly Invitae), Labcorp
Classification: Uncertain significance. Last evaluated: 2025-05-07. Review status: criteria provided, single submitter. Criteria: Invitae Variant Classification Sherloc (09022015). Collection method: clinical testing. Allele origin: germline.
Comment: This sequence change replaces glutamine, which is neutral and polar, with glutamic acid, which is acidic and polar, at codon 342 of the KLF1 protein (p.Gln342Glu). This variant is not present in population databases (gnomAD no frequency). This variant has not been reported in the literature in individuals affected with KLF1-related conditions. ClinVar contains an entry for this variant (Variation ID: 1993757). Invitae Evidence Modeling of protein sequence and biophysical properties (such as structural, functional, and spatial information, amino acid conservation, physicochemical variation, residue mobility, and thermodynamic stability) indicates that this missense variant is expected to disrupt KLF1 protein function with a positive predictive value of 80%. In summary, the available evidence is currently insufficient to determine the role of this variant in disease. Therefore, it has been classified as a Variant of Uncertain Significance.